The following is an entry in ClinVar:

ClinVar aggregate classification (germline): Uncertain significance (1 of 4 stars; one submission).

gnomAD v4.1: 11 of 1,614,126 alleles (0.00068%); highest among the groups gnomAD compares: African/African-American, 0.015%; no homozygotes.

Submission:

Labcorp Genetics (formerly Invitae), Labcorp
Classification: Uncertain significance. Last evaluated: 2025-03-19. Review status: criteria provided, single submitter. Criteria: Invitae Variant Classification Sherloc (09022015). Collection method: clinical testing. Allele origin: germline.
Comment: This sequence change replaces proline, which is neutral and non-polar, with leucine, which is neutral and non-polar, at codon 371 of the LEMD3 protein (p.Pro371Leu). The frequency data for this variant in the population databases is considered unreliable, as metrics indicate poor data quality at this position in the gnomAD database. This variant has not been reported in the literature in individuals affected with LEMD3-related conditions. Invitae Evidence Modeling of protein sequence and biophysical properties (such as structural, functional, and spatial information, amino acid conservation, physicochemical variation, residue mobility, and thermodynamic stability) indicates that this missense variant is not expected to disrupt LEMD3 protein function with a negative predictive value of 80%. In summary, the available evidence is currently insufficient to determine the role of this variant in disease. Therefore, it has been classified as a Variant of Uncertain Significance.

NM_014319.5(LEMD3):c.1112C>T (p.Pro371Leu)

Genes: LEMD3 (LEM domain containing 3; plus strand), LOC130008225 (ATAC-STARR-seq lymphoblastoid active region 6608; plus strand). Cytogenetic location: 12q14.3.
Variant type: single nucleotide variant.
Coding change: c.1112C>T on transcript NM_014319.5 (MANE Select); coding-DNA position 1112, C replaced by T.
Protein change: p.Pro371Leu; replaces proline 371 with leucine.
Molecular consequence: missense variant.
Genome position (GRCh38, 1-based): chr12:65,170,708, C>T. VCF-style: chr12-65170708-C-T. GRCh37 (hg19) VCF-style: chr12-65564488-C-T.
Other names: c.1112C>T, p.Pro371Leu (NM_001167614.2); short protein forms P371L.
Identifiers: ClinVar variation 4697814 (VCV004697814.1).